The following is an entry in ClinVar:

NM_006944.3(SPP2):c.554T>A (p.Ile185Asn)

Gene: SPP2 (secreted phosphoprotein 2; plus strand). Cytogenetic location: 2q37.1.
Variant type: single nucleotide variant.
Coding change: c.554T>A on transcript NM_006944.3 (MANE Select); coding-DNA position 554, T replaced by A.
Protein change: p.Ile185Asn; replaces isoleucine 185 with asparagine.
Molecular consequence: missense variant.
Genome position (GRCh38, 1-based): chr2:234,069,931, T>A. VCF-style: chr2-234069931-T-A. GRCh37 (hg19) VCF-style: chr2-234978575-T-A.
Other names: short protein forms I185N.
Identifiers: ClinVar variation 959628 (VCV000959628.8), dbSNP rs191672392, ClinGen allele CA2183265.

ClinVar aggregate classification (germline): Uncertain significance (1 of 4 stars; one submission).

Allele frequency attached by ClinVar (database versions not stated): ExAC 0.00001; gnomAD 0.00001 and 0.00002; gnomAD exomes 0.00001.
gnomAD v4.1: 34 of 1,612,358 alleles (0.0021%); highest among the groups gnomAD compares: Middle Eastern, 0.033%; no homozygotes.

Submission:

Labcorp Genetics (formerly Invitae), Labcorp
Classification: Uncertain significance. Last evaluated: 2025-07-31. Review status: criteria provided, single submitter. Criteria: Invitae Variant Classification Sherloc (09022015). Collection method: clinical testing. Allele origin: germline.
Comment: This sequence change replaces isoleucine, which is neutral and non-polar, with asparagine, which is neutral and polar, at codon 185 of the SPP2 protein (p.Ile185Asn). This variant is present in population databases (rs191672392, gnomAD 0.004%). This variant has not been reported in the literature in individuals affected with SPP2-related conditions. ClinVar contains an entry for this variant (Variation ID: 959628). An algorithm developed to predict the effect of missense changes on protein structure and function outputs the following: PolyPhen-2: "Benign". The asparagine amino acid residue is found in multiple mammalian species, which suggests that this missense change does not adversely affect protein function. In summary, the available evidence is currently insufficient to determine the role of this variant in disease. Therefore, it has been classified as a Variant of Uncertain Significance.